The following is an entry in ClinVar:

ClinVar aggregate classification (germline): other (0 of 4 stars; one submission).

Conditions:
Familial colorectal cancer. Identifiers: MedGen CN280943, MONDO:0023113. Disease mechanism: loss of function.

Submission:

Systems Biology Platform Zhejiang California International NanoSystems Institute
Classification: other for Familial colorectal cancer. Review status: no assertion criteria provided. Collection method: not provided. Allele origin: unknown.
ClinVar note: Converted during submission from cancer to other.

NC_000005.10:g.112851097T>C

Variant type: single nucleotide variant.
Genome position: GRCh38 VCF-style: chr5-112851097-T-C. GRCh37 (hg19) VCF-style: chr5-112186794-T-C.
Identifiers: ClinVar variation 82689 (VCV000082689.3), dbSNP rs75931773, ClinGen allele CA250829.